The following is an entry in ClinVar:

NM_000059.4(BRCA2):c.2980del (p.Ala994fs)

Gene: BRCA2 (BRCA2 DNA repair associated; plus strand). Cytogenetic location: 13q13.1.
Variant type: Deletion.
Coding change: c.2980del on transcript NM_000059.4 (MANE Select); coding-DNA position 2980, one base deleted (G; older notation c.2980delG).
Protein change: p.Ala994fs; shifts the reading frame from alanine 994.
Molecular consequence: frameshift variant.
Genome position (GRCh38, 1-based): chr13:32,337,335, G deleted; the last of 3 consecutive G bases (chr13:32,337,333-32,337,335); deleting any one gives the same sequence. VCF-style (leftmost placement, unchanged base first): chr13-32337332-TG-T. GRCh37 (hg19) VCF-style: chr13-32911469-TG-T.
Other names: short protein forms A994fs.
Identifiers: ClinVar variation 1698868 (VCV001698868.2), dbSNP rs2137491867, ClinGen allele CA1139532605.

ClinVar aggregate classification (germline): Likely pathogenic (1 of 4 stars; one submission).

Conditions:
Breast-ovarian cancer, familial, susceptibility to, 2 (BROVCA2). Also called: BRCA2 Hereditary Breast and Ovarian Cancer. Identifiers: Orphanet 145, MedGen C2675520, MONDO:0012933, OMIM 612555. Disease mechanism: loss of function.

Submission:

Genetics and Molecular Pathology, SA Pathology
Classification: Likely pathogenic for Breast-ovarian cancer, familial, susceptibility to, 2. Last evaluated: 2020-10-16. Review status: criteria provided, single submitter. Criteria: ACMG Guidelines, 2015. Collection method: clinical testing. Allele origin: germline. Affected: yes.
Comment: The BRCA2 c.2980delG variant is classified as Likely Pathogenic (PVS1_Strong, PM2) This BRCA2 c.2980delG variant is located in exon 11 and is predicted to cause a shift in the reading frame at codon 994. This variant is absent from population databases (PM2). This variant has not been reported in dbSNP, ClinVar or HGMD.